The following is an entry in ClinVar:

ClinVar aggregate classification (germline): Conflicting classifications of pathogenicity. Review status: criteria provided, conflicting classifications (1 of 4 stars). 12 submissions from 12 submitters: Pathogenic (9); Likely pathogenic (1); Uncertain significance (1). 1 of the submissions does not count toward it. Last evaluated 2026-04-01.

Conditions:
TPI1-related disorder. Also called: TPI1-related condition.
Primary ciliary dyskinesia. Also called: Ciliary dyskinesia. Identifiers: Orphanet 244, MedGen C0008780, MONDO:0016575, HP:0012265.
Triosephosphate isomerase deficiency (TPID). Also called: Triose phosphate isomerase deficiency. Identifiers: Orphanet 868, MedGen C1860808, MONDO:0014221, OMIM 615512.

Allele frequency attached by ClinVar (database versions not stated): ExAC 0.00008; gnomAD exomes 0.00008 and 0.00027; gnomAD 0.00011 and 0.00012; TOPMed 0.00011.
gnomAD v4.1: 409 of 1,614,110 alleles (0.025%); highest among the groups gnomAD compares: Non-Finnish European, 0.033%; no homozygotes.

Submissions (12):

Department of Human Genetics, Hannover Medical School
Classification: Uncertain significance for Primary Ciliary Dyskinesia. Last evaluated: 2026-04-01. Review status: criteria provided, single submitter. Criteria: ACMG Guidelines, 2015. Collection method: research. Allele origin: germline. Affected: no.
Comment: Classification performed by HerediClassify using the following criteria:['PM2_supporting: Variant occures does not occur as homozygous in gnomAD.', 'PP3_protein_moderate: Variant is predicted to be pathogenic by REVEL with evidence strength moderate.', "PP4_moderate: The modified PICADAR socre of 4.0 exceeds threshold of 3 achieving 'moderate' evidence strength."]

Labcorp Genetics (formerly Invitae), Labcorp
Classification: Pathogenic. Last evaluated: 2025-11-08. Review status: criteria provided, single submitter. Criteria: Invitae Variant Classification Sherloc (09022015). Collection method: clinical testing. Allele origin: germline.
Comment: This sequence change replaces glutamic acid, which is acidic and polar, with aspartic acid, which is acidic and polar, at codon 105 of the TPI1 protein (p.Glu105Asp). This variant is present in population databases (rs121964845, gnomAD 0.01%). This missense change has been observed in individual(s) with triosephosphate isomerase deficiency (PMID: 2876430, 10910933, 24192681). ClinVar contains an entry for this variant (Variation ID: 12468). An algorithm developed to predict the effect of missense changes on protein structure and function (PolyPhen-2) suggests that this variant is likely to be disruptive. Experimental studies have shown that this missense change affects TPI1 function (PMID: 17183658). For these reasons, this variant has been classified as Pathogenic.

PreventionGenetics, part of Exact Sciences
Classification: Pathogenic for TPI1-related condition. Last evaluated: 2025-07-31. Review status: criteria provided, single submitter. Criteria: ACMG Guidelines, 2015. Collection method: clinical testing. Allele origin: germline.
Comment: The TPI1 c.315G>C variant is predicted to result in the amino acid substitution p.Glu105Asp. This variant, also known as p.Glu104Asp, was reported to be causative for triosephosphate isomerase deficiency and has been observed in both the homozygous and compound heterozygous states in numerous individuals (see for example: Daar et al. 1986. PubMed ID: 2876430; Valentin et al. 2000. PubMed ID: 10910933). Functional studies have shown that this amino acid change results in a destabilization of all three TPI isozymes, and the resulting protein displays impairment in formation of active dimers compared to wild-type (Daar et al. 1986. PubMed ID: 2876430; Ralser et al. 2006. PubMed ID: 17183658; Rodríguez-Almazán et al. 2008. PubMed ID: 18562316). This variant is reported in 0.015% of alleles in individuals of European (Non-Finnish) descent in gnomAD. This variant is interpreted as pathogenic.

Dubai Health Genomic Medicine Center, Dubai Health
Classification: Pathogenic for Triosephosphate isomerase deficiency. Last evaluated: 2024-10-04. Review status: criteria provided, single submitter. Criteria: ACMG Guidelines, 2015. Collection method: research. Allele origin: germline. Affected: yes.
Comment: PS3,PM3,PP3

Revvity Omics, Revvity
Classification: Pathogenic for Triosephosphate isomerase deficiency. Last evaluated: 2024-07-16. Review status: criteria provided, single submitter. Criteria: ACMG Guidelines, 2015. Collection method: clinical testing. Allele origin: germline.

Blueprint Genetics
Classification: Pathogenic for TPI1-related disorders. Last evaluated: 2023-10-12. Review status: criteria provided, single submitter. Criteria: ACMG Guidelines, 2015. Collection method: clinical testing. Allele origin: germline. Affected: yes. Observed: 5 variant alleles.

Clinical Genetics Laboratory, Skane University Hospital Lund
Classification: Pathogenic. Last evaluated: 2022-05-27. Review status: criteria provided, single submitter. Criteria: ACMG Guidelines, 2015. Collection method: clinical testing. Allele origin: germline. Affected: yes.

Genomics Facility, Ludwig-Maximilians-Universität München
Classification: Likely pathogenic for Triosephosphate isomerase deficiency. Last evaluated: 2021-12-28. Review status: criteria provided, single submitter. Criteria: ACMG Guidelines, 2015. Collection method: clinical testing. Allele origin: biparental. Inheritance: Autosomal recessive inheritance. Affected: yes.

Genetics and Molecular Pathology, SA Pathology
Classification: Pathogenic for Triosephosphate isomerase deficiency. Last evaluated: 2021-08-17. Review status: criteria provided, single submitter. Criteria: ACMG Guidelines, 2015. Collection method: clinical testing. Allele origin: germline.

Illumina Laboratory Services, Illumina
Classification: Pathogenic for Triosephosphate isomerase deficiency. Last evaluated: 2018-12-17. Review status: criteria provided, single submitter. Criteria: ICSL Variant Classification Criteria 09 May 2019. Collection method: clinical testing. Allele origin: germline.
Comment: The TPI1 c.315G>C (p.Glu105Asp) missense variant, which is also referred to as p.Glu104Asp, is a well-known and common disease-associated variant, accounting for approximately 80% of clinical triosephosphate isomerase (TPI) deficiency. Across a selection of the available literature, the p.Glu105Asp variant was observed in 19 patients with TPI deficiency, including 13 homozygotes and six compound heterozygotes (Daar et al. 1986; Schneider et al. 1995; Arya et al. 1997; Linarello et al. 1998; Valentin et al. 2000; Yenicesu et al. 2000; Fermo et al. 2010; Sarper et al. 2013). Rodriguez-Almazan et al. (2008) demonstrated that the p.Glu105Asp variant results in instability of the TPI dimer and causes dissociation of the protein into inactive monomers, while De La Mora-De La Mora et al. (2013) showed that the p.Glu105Asp variant increases enzyme susceptibility to proteolysis. The highest allele frequency reported for this variant in the Exome Aggregation Consortium database is 0.000150 in the non-Finnish European population. Based on the collective evidence, the TPI1 p.Glu105Asp variant is classified as pathogenic for triosephosphate isomerase deficiency. This variant was observed by ICSL as part of a predisposition screen in an ostensibly healthy population.

Laboratory for Molecular Medicine, Mass General Brigham Personalized Medicine
Classification: Pathogenic for Triosephosphate isomerase deficiency. Last evaluated: 2018-12-17. Review status: criteria provided, single submitter. Criteria: LMM Criteria. Collection method: clinical testing. Allele origin: germline. Inheritance: Autosomal recessive inheritance. Observed: 1 variant allele.
Comment: The p.Glu142Asp (also known as p.Glu105Asp or p.Glu104Asp) variant in TPI1 has b een reported in at least 10 homozygous and 4 compound heterozygous individuals w ith triosephosphate isomerase deficiency (Aissa 2014, Alabdullatif 2017, Arya 19 97, Daar 1986, Nolan 2016, Pekrun 1995, Sarper 2013, Valentin 2000). It has als o been identified in 0.015% (19/129206) of European chromosomes by gnomAD. In vitro functional studies and computational pred iction tools support an impact on protein function (Daar 1986, Ralser 2006, De L a Mora-De La Mora 2013). In summary, this variant meets criteria to be classifie d as pathogenic for autosomal recessive triosephosphate isomerase deficiency. AC MG/AMP criteria applied: PM3_VeryStrong, PS3_Moderate, PM2_Supporting, PP3.

OMIM
Classification: Pathogenic for TRIOSEPHOSPHATE ISOMERASE DEFICIENCY. Last evaluated: 2008-08-22. Review status: no assertion criteria provided. Collection method: literature only. Allele origin: germline. Not counted in ClinVar's aggregate classification.

Literature cited by the submitters: PubMed 2876430 (cited by 4 submitters); PubMed 10910933 (cited by 3 submitters); PubMed 24192681 (cited by 3 submitters); PubMed 17183658 (cited by Labcorp Genetics (formerly Invitae), Labcorp and Laboratory for Molecular Medicine, Mass General Brigham Personalized Medicine); PubMed 9842650 (cited by Illumina Laboratory Services, Illumina); PubMed 9338582 (cited by 3 submitters); PubMed 7485100 (cited by Illumina Laboratory Services, Illumina); PubMed 11196750 (cited by Illumina Laboratory Services, Illumina); PubMed 20374271 (cited by Illumina Laboratory Services, Illumina); PubMed 18562316 (cited by Illumina Laboratory Services, Illumina and OMIM); PubMed 24056040 (cited by Illumina Laboratory Services, Illumina and Laboratory for Molecular Medicine, Mass General Brigham Personalized Medicine); PubMed 27717089 (cited by Laboratory for Molecular Medicine, Mass General Brigham Personalized Medicine); PubMed 7628118 (cited by Laboratory for Molecular Medicine, Mass General Brigham Personalized Medicine and OMIM); PubMed 24840153 (cited by Laboratory for Molecular Medicine, Mass General Brigham Personalized Medicine); PubMed 26863999 (cited by Laboratory for Molecular Medicine, Mass General Brigham Personalized Medicine); PubMed 8503454 (cited by OMIM); PubMed 32873690 (cited by OMIM); PubMed 40897044 (cited by OMIM).

NM_000365.6(TPI1):c.315G>C (p.Glu105Asp)

Gene: TPI1 (triosephosphate isomerase 1; plus strand). Cytogenetic location: 12p13.31.
Variant type: single nucleotide variant.
Coding change: c.315G>C on transcript NM_000365.6 (MANE Select); coding-DNA position 315, G replaced by C.
Protein change: p.Glu105Asp; replaces glutamic acid 105 with aspartic acid.
Molecular consequence: missense variant.
Genome position (GRCh38, 1-based): chr12:6,869,174, G>C. VCF-style: chr12-6869174-G-C. GRCh37 (hg19) VCF-style: chr12-6978338-G-C.
Other names: E104D; c.426G>C, p.Glu142Asp (NM_001159287.1); c.69G>C, p.Glu23Asp (NM_001258026.2); short protein forms E142D, E105D, E23D.
Identifiers: ClinVar variation 12468 (VCV000012468.28), dbSNP rs121964845, ClinGen allele CA122423.